The following is an entry in ClinVar:

ClinVar aggregate classification (germline): Uncertain significance (1 of 4 stars; one submission).

Conditions:
Emery-Dreifuss muscular dystrophy 5, autosomal dominant (EDMD5). Also called: EMERY-DREIFUSS MUSCULAR DYSTROPHY 5. Identifiers: Orphanet 261, MedGen C2751805, MONDO:0013072, OMIM 612999.

Allele frequency attached by ClinVar (database versions not stated): gnomAD exomes below 0.00001.
gnomAD v4.1: 1 of 1,613,932 alleles (0.000062%); highest among the groups gnomAD compares: Non-Finnish European, 0.000085%; no homozygotes.

Submission:

Labcorp Genetics (formerly Invitae), Labcorp
Classification: Uncertain significance for Emery-Dreifuss muscular dystrophy 5, autosomal dominant. Last evaluated: 2022-10-13. Review status: criteria provided, single submitter. Criteria: Invitae Variant Classification Sherloc (09022015). Collection method: clinical testing. Allele origin: germline.
Comment: In summary, the available evidence is currently insufficient to determine the role of this variant in disease. Therefore, it has been classified as a Variant of Uncertain Significance. Algorithms developed to predict the effect of sequence changes on RNA splicing suggest that this variant may create or strengthen a splice site. ClinVar contains an entry for this variant (Variation ID: 538328). This variant has not been reported in the literature in individuals affected with SYNE2-related conditions. This variant is not present in population databases (gnomAD no frequency). This sequence change creates a premature translational stop signal (p.Gln4882*) in the SYNE2 gene. It is expected to result in an absent or disrupted protein product. However, the current clinical and genetic evidence is not sufficient to establish whether loss-of-function variants in SYNE2 cause disease.

NM_182914.3(SYNE2):c.14644C>T (p.Gln4882Ter)

Gene: SYNE2 (spectrin repeat containing nuclear envelope protein 2; plus strand). Cytogenetic location: 14q23.2.
Variant type: single nucleotide variant.
Coding change: c.14644C>T on transcript NM_182914.3 (MANE Select); coding-DNA position 14644, C replaced by T.
Protein change: p.Gln4882Ter; replaces glutamine 4882 with a stop codon.
Molecular consequence: nonsense.
Genome position (GRCh38, 1-based): chr14:64,134,198, C>T. VCF-style: chr14-64134198-C-T. GRCh37 (hg19) VCF-style: chr14-64600916-C-T.
Other names: c.14644C>T, p.Gln4882Ter (NM_015180.6); short protein forms Q4882*.
Identifiers: ClinVar variation 538328 (VCV000538328.8), dbSNP rs1555503635, ClinGen allele CA389986728.